The following is an entry in ClinVar:

ClinVar aggregate classification (germline): Likely benign. Review status: criteria provided, multiple submitters, no conflicts (2 of 4 stars). 2 submissions from 2 submitters: Likely benign (2). Last evaluated 2024-12-19.

Conditions:
TRPM1-related disorder. Also called: TRPM1-related condition.

Allele frequency attached by ClinVar (database versions not stated): TOPMed below 0.00001; gnomAD 0.00001.
gnomAD v4.1: 1 of 1,614,104 alleles (0.000062%); highest among the groups gnomAD compares: African/African-American, 0.0013%; no homozygotes.

Submissions (2):

PreventionGenetics, part of Exact Sciences
Classification: Likely benign for TRPM1-related condition. Last evaluated: 2024-12-19. Review status: criteria provided, single submitter. Criteria: ACMG Guidelines, 2015. Collection method: clinical testing. Allele origin: germline.
Comment: This variant is classified as likely benign based on ACMG/AMP sequence variant interpretation guidelines (Richards et al. 2015 PMID: 25741868, with internal and published modifications).

Labcorp Genetics (formerly Invitae), Labcorp
Classification: Likely benign. Last evaluated: 2023-11-25. Review status: criteria provided, single submitter. Criteria: Invitae Variant Classification Sherloc (09022015). Collection method: clinical testing. Allele origin: germline.

NM_001252024.2(TRPM1):c.2820A>G (p.Leu940=)

Genes: TRPM1 (transient receptor potential cation channel subfamily M member 1; minus strand), TRPM1-AS1 (TRPM1 antisense RNA 1; plus strand). Cytogenetic location: 15q13.3.
Variant type: single nucleotide variant.
Coding change: c.2820A>G on transcript NM_001252024.2 (MANE Select); coding-DNA position 2820, A replaced by G.
Protein change: p.Leu940=; no amino-acid change (leucine 940 retained).
Molecular consequence: synonymous variant.
Genome position (GRCh38, 1-based): chr15:31,032,821, T>C on the plus strand (A>G on the coding strand, the complement: TRPM1 is on the minus strand). VCF-style: chr15-31032821-T-C. GRCh37 (hg19) VCF-style: chr15-31325024-T-C.
Other names: c.2871A>G, p.Leu957= (NM_001252020.2); c.2754A>G, p.Leu918= (NM_002420.6); c.2871A>G (NM_001252020.1).
Identifiers: ClinVar variation 2717864 (VCV002717864.4), dbSNP rs942087760, ClinGen allele CA267516611.
Genomic context (GRCh38, chr15:31,032,821, plus strand): 5'-CCAGAAGATGATATCCACACAGTAGATCACCCGGCCATAGCCCATGTAGGGCTGGTTCTG[T>C]AGGCGAAGAATTGCTCCAATCATGAATGTGGAAATGGCCACGAGATCTGTGATGTTCCAG-3'
Protein context (NP_001238953.1, residues 930-950): STFMIGAILR[Leu940=]QNQPYMGYGR